The following is an entry in ClinVar:

NM_024642.5(GALNT12):c.1338C>G (p.Phe446Leu)

Gene: GALNT12 (polypeptide N-acetylgalactosaminyltransferase 12; plus strand). Cytogenetic location: 9q22.33.
Variant type: single nucleotide variant.
Coding change: c.1338C>G on transcript NM_024642.5 (MANE Select); coding-DNA position 1338, C replaced by G.
Protein change: p.Phe446Leu; replaces phenylalanine 446 with leucine.
Molecular consequence: missense variant.
Genome position (GRCh38, 1-based): chr9:98,840,127, C>G. VCF-style: chr9-98840127-C-G. GRCh37 (hg19) VCF-style: chr9-101602409-C-G.
Other names: short protein forms F446L.
Identifiers: ClinVar variation 818973 (VCV000818973.17), dbSNP rs200788044, ClinGen allele CA5154235.

ClinVar aggregate classification (germline): Uncertain significance. Review status: criteria provided, multiple submitters, no conflicts (2 of 4 stars). 4 submissions from 4 submitters: Uncertain significance (4). Last evaluated 2025-01-03.

Conditions:
Colorectal cancer, susceptibility to, 1. Also called: COLORECTAL ADENOMA AND CANCER, SUSCEPTIBILITY TO; COLORECTAL CANCER, SUSCEPTIBILITY TO, ON CHROMOSOME 9. Identifiers: MedGen C1837315, MONDO:0012132, OMIM 608812.

Allele frequency attached by ClinVar (database versions not stated): ExAC 0.00001; TOPMed 0.00001.
gnomAD v4.1: 34 of 1,613,424 alleles (0.0021%); highest among the groups gnomAD compares: Non-Finnish European, 0.0028%; no homozygotes.

Submissions (4):

Ambry Genetics
Classification: Uncertain significance. Last evaluated: 2025-01-03. Review status: criteria provided, single submitter. Criteria: Ambry Variant Classification Scheme 2023. Collection method: clinical testing. Allele origin: germline.
Comment: The p.F446L variant (also known as c.1338C>G), located in coding exon 7 of the GALNT12 gene, results from a C to G substitution at nucleotide position 1338. The phenylalanine at codon 446 is replaced by leucine, an amino acid with highly similar properties. This amino acid position is highly conserved in available vertebrate species. In addition, this alteration is predicted to be tolerated by in silico analysis. Since supporting evidence is limited at this time, the clinical significance of this alteration remains unclear.

Labcorp Genetics (formerly Invitae), Labcorp
Classification: Uncertain significance. Last evaluated: 2024-11-24. Review status: criteria provided, single submitter. Criteria: Invitae Variant Classification Sherloc (09022015). Collection method: clinical testing. Allele origin: germline.
Comment: This sequence change replaces phenylalanine, which is neutral and non-polar, with leucine, which is neutral and non-polar, at codon 446 of the GALNT12 protein (p.Phe446Leu). This variant is present in population databases (rs200788044, gnomAD 0.002%). This variant has not been reported in the literature in individuals affected with GALNT12-related conditions. ClinVar contains an entry for this variant (Variation ID: 818973). Invitae Evidence Modeling of protein sequence and biophysical properties (such as structural, functional, and spatial information, amino acid conservation, physicochemical variation, residue mobility, and thermodynamic stability) indicates that this missense variant is not expected to disrupt GALNT12 protein function with a negative predictive value of 80%. In summary, the available evidence is currently insufficient to determine the role of this variant in disease. Therefore, it has been classified as a Variant of Uncertain Significance.

Baylor Genetics
Classification: Uncertain significance for Colorectal cancer, susceptibility to, 1. Last evaluated: 2024-02-09. Review status: criteria provided, single submitter. Criteria: ACMG Guidelines, 2015. Collection method: clinical testing. Allele origin: unknown.

Quest Diagnostics Nichols Institute San Juan Capistrano
Classification: Uncertain significance. Last evaluated: 2022-09-14. Review status: criteria provided, single submitter. Criteria: Quest Diagnostics criteria. Collection method: clinical testing. Allele origin: unknown.
Comment: The variant has not been reported in the published literature. The frequency of this variant in the general population, 0.000008 (2/251410 chromosomes), is uninformative in assessment of its pathogenicity. Analysis of this variant using bioinformatics tools for the prediction of the effect of amino acid changes on protein structure and function yielded predictions that this variant is damaging. Based on the available information, we are unable to determine the clinical significance of this variant.